The following is an entry in ClinVar:

NM_024537.4(CARS2):c.323T>G (p.Phe108Cys)

Gene: CARS2 (cysteinyl-tRNA synthetase 2, mitochondrial; minus strand). Cytogenetic location: 13q34.
Variant type: single nucleotide variant.
Coding change: c.323T>G on transcript NM_024537.4 (MANE Select); coding-DNA position 323, T replaced by G.
Protein change: p.Phe108Cys; replaces phenylalanine 108 with cysteine.
Molecular consequence: missense variant. On other transcripts: 5 prime UTR variant (1), non-coding transcript variant (2).
Genome position (GRCh38, 1-based): chr13:110,701,508, A>C on the plus strand (T>G on the coding strand, the complement: CARS2 is on the minus strand). VCF-style: chr13-110701508-A-C. GRCh37 (hg19) VCF-style: chr13-111353855-A-C.
Other names: c.-677T>G (NM_001352252.2); c.323T>G, p.Phe108Cys (NM_001352253.3); short protein forms F108C.
Identifiers: ClinVar variation 939971 (VCV000939971.32), dbSNP rs201577762, ClinGen allele CA7052308.

ClinVar aggregate classification (germline): Conflicting classifications of pathogenicity. Review status: criteria provided, conflicting classifications (1 of 4 stars). 4 submissions from 4 submitters: Likely pathogenic (2); Uncertain significance (2). Last evaluated 2025-09-19.

Conditions:
Combined oxidative phosphorylation defect type 27. Also called: Combined oxidative phosphorylation deficiency 27. Identifiers: Orphanet 477774, MedGen C5567608, MONDO:0014728, OMIM 616672.

Allele frequency attached by ClinVar (database versions not stated): TOPMed 0.00010; 1000 Genomes Project 0.00020; ExAC 0.00006; 1000 Genomes Project 30x 0.00031.
gnomAD v4.1: 31 of 1,598,552 alleles (0.0019%); highest among the groups gnomAD compares: East Asian, 0.042%; no homozygotes.

Submissions (4):

First Genomix Gene Laboratory, Genetic Diagnostics Department
Classification: Likely pathogenic for Combined oxidative phosphorylation defect type 27. Last evaluated: 2025-09-19. Review status: criteria provided, single submitter. Criteria: ACMG Guidelines, 2015. Collection method: clinical testing. Allele origin: germline. Inheritance: Autosomal recessive inheritance. Affected: no. Observed: 1 variant allele.

Victorian Clinical Genetics Services, Murdoch Childrens Research Institute
Classification: Likely pathogenic for Combined oxidative phosphorylation defect type 27. Last evaluated: 2024-10-08. Review status: criteria provided, single submitter. Criteria: ACMG Guidelines, 2015. Collection method: clinical testing. Allele origin: germline. Inheritance: Autosomal recessive inheritance. Affected: yes.
Comment: Based on the classification scheme VCGS_Germline_v1.3.4, this variant is classified as Likely Pathogenic. Following criteria are met: 0102 - Loss of function is a known mechanism of disease in this gene and is associated with combined oxidative phosphorylation deficiency 27 (MIM#616672). (I) 0106 - This gene is associated with autosomal recessive disease. (I) 0200 - Variant is predicted to result in a missense amino acid change from phenylalanine to cysteine. (I) 0251 - This variant is heterozygous. (I) 0304 - Variant is present in gnomAD (v2) <0.01 for a recessive condition (14 heterozygotes, 0 homozygotes). (SP) 0501 - Missense variant consistently predicted to be damaging by multiple in silico tools or highly conserved with a major amino acid change. (SP) 0600 - Variant is located in the annotated tRNA synthetases class I (C) catalytic domain (DECIPHER). (I) 0710 - Another missense variant comparable to the one identified in this case has inconclusive previous evidence for pathogenicity. p.(Phe108Ser) has been classified as a VUS in ClinVar. (I) 0809 - Previous evidence of pathogenicity for this variant is inconclusive. This variant has been classified as a VUS in ClinVar, and has been observed in one compound heterozygous individual with combined oxidative phosphorylation deficiency, classified as a VUS (PMID: 32571458). (I) 0905 - No published segregation evidence has been identified for this variant. (I) 1007 - No published functional evidence has been identified for this variant. (I) 1201 - Heterozygous variant detected in trans with a second likely pathogenic heterozygous variant (NM_024537.3(CARS2):c.1238_1239insC; p.(Asp415*)) in a recessive disease. (I) Legend: (SP) - Supporting pathogenic, (I) - Information, (SB) - Supporting benign

Labcorp Genetics (formerly Invitae), Labcorp
Classification: Uncertain significance for Combined oxidative phosphorylation defect type 27. Last evaluated: 2021-08-28. Review status: criteria provided, single submitter. Criteria: Invitae Variant Classification Sherloc (09022015). Collection method: clinical testing. Allele origin: germline.
Comment: This sequence change replaces phenylalanine with cysteine at codon 108 of the CARS2 protein (p.Phe108Cys). The phenylalanine residue is highly conserved and there is a large physicochemical difference between phenylalanine and cysteine. This variant is present in population databases (rs201577762, ExAC 0.07%). This variant has not been reported in the literature in individuals affected with CARS2-related conditions. Algorithms developed to predict the effect of missense changes on protein structure and function (SIFT, PolyPhen-2, Align-GVGD) all suggest that this variant is likely to be disruptive. Algorithms developed to predict the effect of sequence changes on RNA splicing suggest that this variant may create or strengthen a splice site. In summary, the available evidence is currently insufficient to determine the role of this variant in disease. Therefore, it has been classified as a Variant of Uncertain Significance.

Pediatric Department, Xiangya Hospital, Central South University
Classification: Uncertain significance. Review status: criteria provided, single submitter. Criteria: ACMG Guidelines, 2015. Collection method: clinical testing. Allele origin: inherited. Inheritance: Autosomal recessive inheritance. Affected: yes. Observed: 2 compound heterozygotes. Clinical features observed: Seizure, Behavioral abnormality, Cerebral cortical atrophy.
Comment: This variant was observed in compound heterozygosity with variant (c.1036C>T)

Literature cited by the submitters: PubMed 32571458 (cited by Victorian Clinical Genetics Services, Murdoch Childrens Research Institute).